The following is an entry in ClinVar:

ClinVar aggregate classification (germline): Uncertain significance (1 of 4 stars; one submission).

Submission:

Greenwood Genetic Center Diagnostic Laboratories, Greenwood Genetic Center
Classification: Uncertain significance. Last evaluated: 2026-04-06. Review status: criteria provided, single submitter. Criteria: ACMG Guidelines, 2015. Collection method: clinical testing. Allele origin: germline.
Comment: PM2, BP4, PP2

NM_000937.5(POLR2A):c.1861A>G (p.Ile621Val)

Gene: POLR2A (RNA polymerase II subunit A; plus strand). Cytogenetic location: 17p13.1.
Variant type: single nucleotide variant.
Coding change: c.1861A>G on transcript NM_000937.5 (MANE Select); coding-DNA position 1861, A replaced by G.
Protein change: p.Ile621Val; replaces isoleucine 621 with valine.
Molecular consequence: missense variant.
Genome position (GRCh38, 1-based): chr17:7,500,828, A>G. VCF-style: chr17-7500828-A-G. GRCh37 (hg19) VCF-style: chr17-7404147-A-G.
Other names: short protein forms I621V.
Identifiers: ClinVar variation 4891196 (VCV004891196.1).